The following is an entry in ClinVar:

ClinVar aggregate classification (germline): Uncertain significance. Review status: criteria provided, multiple submitters, no conflicts (2 of 4 stars). 5 submissions from 5 submitters: Uncertain significance (4). 1 of the submissions does not count toward it. Last evaluated 2026-09-21.

Conditions:
TTN-related disorder. Also called: TTN-related condition; TTN-related disease; TTN-related disorders.
Cardiovascular phenotype. Identifiers: MedGen CN230736.
Dilated cardiomyopathy 1G (CMD1G). Identifiers: Orphanet 154, MedGen C1858763, MONDO:0011400, OMIM 604145.
Autosomal recessive limb-girdle muscular dystrophy type 2J (LGMDR10). Also called: Limb-girdle muscular dystrophy, type 2J; MUSCULAR DYSTROPHY, LIMB-GIRDLE, AUTOSOMAL RECESSIVE 10. Identifiers: Orphanet 140922, MedGen C1837342, MONDO:0012127, OMIM 608807.

Allele frequency attached by ClinVar (database versions not stated): ExAC 0.00001; gnomAD exomes 0.00001 and 0.00002; gnomAD 0.00003 and 0.00004; TOPMed 0.00007; ESP Exome Variant Server 0.00008.
gnomAD v4.1: 22 of 1,612,248 alleles (0.0014%); highest among the groups gnomAD compares: African/African-American, 0.011%; no homozygotes.

Submissions (5):

PreventionGenetics, part of Exact Sciences
Classification: Uncertain significance for TTN-related condition. Last evaluated: 2026-09-21. Review status: criteria provided, single submitter. Criteria: ACMG Guidelines, 2015. Collection method: clinical testing. Allele origin: germline.
Comment: The TTN c.46037G>A variant is predicted to result in the amino acid substitution p.Arg15346His. To our knowledge, this variant has not been reported in the literature. This variant is reported in 0.019% of alleles in individuals of African descent in gnomAD. At this time, the clinical significance of this variant is uncertain due to the absence of conclusive functional and genetic evidence.

Ambry Genetics
Classification: Uncertain significance for Cardiovascular phenotype. Last evaluated: 2019-04-19. Review status: criteria provided, single submitter. Criteria: Ambry Variant Classification Scheme 2023. Collection method: clinical testing. Allele origin: germline.
Comment: The p.R6281H variant (also known as c.18842G>A), located in coding exon 75 of the TTN gene, results from a G to A substitution at nucleotide position 18842. The arginine at codon 6281 is replaced by histidine, an amino acid with highly similar properties. This amino acid position is highly conserved in available vertebrate species. In addition, this alteration is predicted to be tolerated by in silico analysis. Since supporting evidence is limited at this time, the clinical significance of this alteration remains unclear.

Labcorp Genetics (formerly Invitae), Labcorp
Classification: Uncertain significance for Dilated cardiomyopathy 1G; Autosomal recessive limb-girdle muscular dystrophy type 2J. Last evaluated: 2016-04-29. Review status: criteria provided, single submitter. Criteria: Invitae Variant Classification Sherloc (09022015). Collection method: clinical testing. Allele origin: germline.

Breakthrough Genomics
Classification: Uncertain significance. Review status: criteria provided, single submitter. Criteria: ACMG Guidelines, 2015. Collection method: not provided. Allele origin: germline. Inheritance: Autosomal recessive inheritance. Affected: yes.

GeneDx
No classification provided. Last evaluated: 2013-06-05. Review status: no classification provided. Criteria: GeneDx Variant Classification (06012015). Collection method: clinical testing. Allele origin: germline. Affected: yes. Not counted in ClinVar's aggregate classification.
Comment: Missense variants in the TTN gene are considered 'unclassified' if they are not previously reported in the literature and do not have >1% frequency in the population to be considered a polymorphism. Research indicates that truncating mutations in the TTN gene are expected to account for approximately 25% of familial and 18% of sporadic idiopathic DCM; however, truncating variants in the TTN gene have been reported in approximately 3% of reported control alleles. There has been little investigation into non-truncating variants. (Herman D et al. Truncations of titin causing dilated cardiomyopathy. N Eng J Med 366:619-628, 2012) The variant is found in DCM panel(s).

NM_001267550.2(TTN):c.46037G>A (p.Arg15346His)

Gene: TTN (titin; minus strand). Cytogenetic location: 2q31.2.
Variant type: single nucleotide variant.
Coding change: c.46037G>A on transcript NM_001267550.2 (MANE Select); coding-DNA position 46037, G replaced by A.
Protein change: p.Arg15346His; replaces arginine 15346 with histidine.
Molecular consequence: missense variant.
Genome position (GRCh38, 1-based): chr2:178,620,484, C>T on the plus strand (G>A on the coding strand, the complement: TTN is on the minus strand). VCF-style: chr2-178620484-C-T. GRCh37 (hg19) VCF-style: chr2-179485211-C-T.
Other names: p.R12778H:CGT>CAT; c.41114G>A, p.Arg13705His (NM_001256850.1); c.18842G>A, p.Arg6281His (NM_003319.4); c.38333G>A, p.Arg12778His (NM_133378.4); c.19217G>A, p.Arg6406His (NM_133432.3); c.19418G>A, p.Arg6473His (NM_133437.4); short protein forms R12778H, R15346H, R6406H, R6281H, R6473H, R13705H.
Identifiers: ClinVar variation 202648 (VCV000202648.7), dbSNP rs367996763, ClinGen allele CA309862.